The following is an entry in ClinVar:

NM_001123385.2(BCOR):c.1064C>T (p.Ser355Leu)

Genes: BCOR (BCL6 corepressor; minus strand), LOC126863239 (MED14-independent group 3 enhancer GRCh37_chrX:39932994-39934193; plus strand). Cytogenetic location: Xp11.4.
Variant type: single nucleotide variant.
Coding change: c.1064C>T on transcript NM_001123385.2 (MANE Select); coding-DNA position 1064, C replaced by T.
Protein change: p.Ser355Leu; replaces serine 355 with leucine.
Molecular consequence: missense variant.
Genome position (GRCh38, 1-based): chrX:40,074,282, G>A on the plus strand (C>T on the coding strand, the complement: BCOR is on the minus strand). VCF-style: chrX-40074282-G-A. GRCh37 (hg19) VCF-style: chrX-39933535-G-A.
Other names: c.1064C>T, p.Ser355Leu (NM_001123383.2, NM_001123384.2, NM_017745.6); short protein forms S355L.
Identifiers: ClinVar variation 1414276 (VCV001414276.7), dbSNP rs747038834, ClinGen allele CA10386972.

ClinVar aggregate classification (germline): Conflicting classifications of pathogenicity. Review status: criteria provided, conflicting classifications (1 of 4 stars). 2 submissions from 2 submitters: Uncertain significance (1); Likely benign (1). Last evaluated 2025-12-21.

Conditions:
Oculofaciocardiodental syndrome (MCOPS2). Identifiers: Orphanet 2712, MedGen C1846265, MONDO:0010261, OMIM 300166.

Allele frequency attached by ClinVar (database versions not stated): ExAC 0.00002; gnomAD 0.00002; gnomAD exomes 0.00002 and 0.00003; TOPMed 0.00002.
gnomAD v4.1: 35 of 1,210,690 alleles (0.0029%); highest among the groups gnomAD compares: Admixed American, 0.0044%; no homozygotes.

Submissions (2):

Labcorp Genetics (formerly Invitae), Labcorp
Classification: Uncertain significance for Oculofaciocardiodental syndrome. Last evaluated: 2025-12-21. Review status: criteria provided, single submitter. Criteria: Invitae Variant Classification Sherloc (09022015). Collection method: clinical testing. Allele origin: germline.
Comment: This sequence change replaces serine, which is neutral and polar, with leucine, which is neutral and non-polar, at codon 355 of the BCOR protein (p.Ser355Leu). This variant is present in population databases (rs747038834, gnomAD 0.01%). This variant has not been reported in the literature in individuals affected with BCOR-related conditions. ClinVar contains an entry for this variant (Variation ID: 1414276). An algorithm developed to predict the effect of missense changes on protein structure and function (PolyPhen-2) suggests that this variant is likely to be tolerated. In summary, the available evidence is currently insufficient to determine the role of this variant in disease. Therefore, it has been classified as a Variant of Uncertain Significance.

Blueprint Genetics
Classification: Likely benign. Last evaluated: 2019-11-12. Review status: criteria provided, single submitter. Criteria: ACMG Guidelines, 2015. Collection method: clinical testing. Allele origin: germline.